The following is an entry in ClinVar:

NM_025137.4(SPG11):c.2086A>T (p.Ile696Phe)

Gene: SPG11 (SPG11 vesicle trafficking associated, spatacsin; minus strand). Cytogenetic location: 15q21.1.
Variant type: single nucleotide variant.
Coding change: c.2086A>T on transcript NM_025137.4 (MANE Select); coding-DNA position 2086, A replaced by T.
Protein change: p.Ile696Phe; replaces isoleucine 696 with phenylalanine.
Molecular consequence: missense variant.
Genome position (GRCh38, 1-based): chr15:44,626,489, T>A on the plus strand (A>T on the coding strand, the complement: SPG11 is on the minus strand). VCF-style: chr15-44626489-T-A. GRCh37 (hg19) VCF-style: chr15-44918687-T-A.
Other names: c.2086A>T, p.Ile696Phe (NM_001160227.2, NM_001411132.1); short protein forms I696F.
Identifiers: ClinVar variation 2818461 (VCV002818461.3), dbSNP rs2505582696, ClinGen allele CA392233954.

ClinVar aggregate classification (germline): Uncertain significance (1 of 4 stars; one submission).

Conditions:
Hereditary spastic paraplegia 11. Also called: SPASTIC PARAPLEGIA, AUTOSOMAL RECESSIVE, COMPLICATED, WITH THIN CORPUS CALLOSUM; SPASTIC PARAPLEGIA, AUTOSOMAL RECESSIVE, WITH MENTAL IMPAIRMENT AND THIN CORPUS CALLOSUM; Spastic Paraplegia 11; Spastic paraplegia, mental retardation and thin corpus callosum; Nakamura Osame syndrome; Autosomal recessive hereditary spastic paraplegia, mental impairment, and thin corpus callosum. Identifiers: Orphanet 2822, MedGen C1858479, MONDO:0011445, OMIM 604360.

Submission:

Labcorp Genetics (formerly Invitae), Labcorp
Classification: Uncertain significance for Hereditary spastic paraplegia 11. Last evaluated: 2022-12-04. Review status: criteria provided, single submitter. Criteria: Invitae Variant Classification Sherloc (09022015). Collection method: clinical testing. Allele origin: germline.
Comment: In summary, the available evidence is currently insufficient to determine the role of this variant in disease. Therefore, it has been classified as a Variant of Uncertain Significance. Advanced modeling of protein sequence and biophysical properties (such as structural, functional, and spatial information, amino acid conservation, physicochemical variation, residue mobility, and thermodynamic stability) performed at Invitae indicates that this missense variant is expected to disrupt SPG11 protein function. This variant has not been reported in the literature in individuals affected with SPG11-related conditions. This variant is not present in population databases (gnomAD no frequency). This sequence change replaces isoleucine, which is neutral and non-polar, with phenylalanine, which is neutral and non-polar, at codon 696 of the SPG11 protein (p.Ile696Phe).